The following is an entry in ClinVar:

NM_006904.7(PRKDC):c.5974G>T (p.Val1992Leu)

Gene: PRKDC (protein kinase, DNA-activated, catalytic subunit; minus strand). Cytogenetic location: 8q11.21.
Variant type: single nucleotide variant.
Coding change: c.5974G>T on transcript NM_006904.7 (MANE Select); coding-DNA position 5974, G replaced by T.
Protein change: p.Val1992Leu; replaces valine 1992 with leucine.
Molecular consequence: missense variant.
Genome position (GRCh38, 1-based): chr8:47,862,073, C>A on the plus strand (G>T on the coding strand, the complement: PRKDC is on the minus strand). VCF-style: chr8-47862073-C-A. GRCh37 (hg19) VCF-style: chr8-48774634-C-A.
Other names: c.5974G>T, p.Val1992Leu (NM_001081640.2); short protein forms V1992L.
Identifiers: ClinVar variation 4745267 (VCV004745267.1).

ClinVar aggregate classification (germline): Uncertain significance (1 of 4 stars; one submission).

Conditions:
Severe combined immunodeficiency due to DNA-PKcs deficiency. Also called: IMMUNODEFICIENCY 26 WITH NEUROLOGIC ABNORMALITIES; Immunodeficiency 26 with or without neurologic abnormalities. Identifiers: Orphanet 317425, MedGen C4014833, MONDO:0014423, OMIM 615966.

Submission:

Labcorp Genetics (formerly Invitae), Labcorp
Classification: Uncertain significance for Severe combined immunodeficiency due to DNA-PKcs deficiency. Last evaluated: 2025-12-10. Review status: criteria provided, single submitter. Criteria: Invitae Variant Classification Sherloc (09022015). Collection method: clinical testing. Allele origin: germline.
Comment: This sequence change replaces valine, which is neutral and non-polar, with leucine, which is neutral and non-polar, at codon 1992 of the PRKDC protein (p.Val1992Leu). This variant is not present in population databases (gnomAD no frequency). This variant has not been reported in the literature in individuals affected with PRKDC-related conditions. Invitae Evidence Modeling of protein sequence and biophysical properties (such as structural, functional, and spatial information, amino acid conservation, physicochemical variation, residue mobility, and thermodynamic stability) indicates that this missense variant is not expected to disrupt PRKDC protein function with a negative predictive value of 80%. In summary, the available evidence is currently insufficient to determine the role of this variant in disease. Therefore, it has been classified as a Variant of Uncertain Significance.